The following is an entry in ClinVar:

ClinVar aggregate classification (germline): Benign. Review status: criteria provided, single submitter (1 of 4 stars). 2 submissions from 2 submitters: Benign (1). 1 of the submissions does not count toward it. Last evaluated 2025-12-31.

Conditions:
PCNT-related disorder. Also called: PCNT-related condition.

Submissions (2):

Labcorp Genetics (formerly Invitae), Labcorp
Classification: Benign. Last evaluated: 2025-12-31. Review status: criteria provided, single submitter. Criteria: Invitae Variant Classification Sherloc (09022015). Collection method: clinical testing. Allele origin: germline.

PreventionGenetics, part of Exact Sciences
Classification: Likely benign for PCNT-related condition. Last evaluated: 2023-05-04. Review status: no assertion criteria provided. Collection method: clinical testing. Allele origin: germline. Not counted in ClinVar's aggregate classification.
Comment: This variant is classified as likely benign based on ACMG/AMP sequence variant interpretation guidelines (Richards et al. 2015 PMID: 25741868, with internal and published modifications).

NM_006031.6(PCNT):c.513_590del (p.Met171_Gly196del)

Gene: PCNT (pericentrin; plus strand). Cytogenetic location: 21q22.3.
Variant type: Deletion.
Coding change: c.513_590del on transcript NM_006031.6 (MANE Select); coding-DNA positions 513 to 590, 78 bases deleted.
Protein change: p.Met171_Gly196del.
Molecular consequence: inframe deletion.
Genome position (GRCh38, 1-based): chr21:46,334,642-46,334,719, 78 bases deleted. GRCh37 (hg19): chr21:47,754,556-47,754,633.
Other names: c.159_236del, p.Met53_Gly78del (NM_001315529.2); c.513_590del78 (NM_006031.5).
Identifiers: ClinVar variation 1636263 (VCV001636263.10), dbSNP rs1569163245, ClinGen allele CA10078275.